The following is an entry in ClinVar:

NM_024422.6(DSC2):c.2326A>G (p.Ile776Val)

Gene: DSC2 (desmocollin 2; minus strand). Cytogenetic location: 18q12.1.
Variant type: single nucleotide variant.
Coding change: c.2326A>G on transcript NM_024422.6 (MANE Select); coding-DNA position 2326, A replaced by G.
Protein change: p.Ile776Val; replaces isoleucine 776 with valine.
Molecular consequence: missense variant.
Genome position (GRCh38, 1-based): chr18:31,069,076, T>C on the plus strand (A>G on the coding strand, the complement: DSC2 is on the minus strand). VCF-style: chr18-31069076-T-C. GRCh37 (hg19) VCF-style: chr18-28649042-T-C.
Other names: c.2326A>G, p.Ile776Val (NM_004949.5); short protein forms I776V.
Identifiers: ClinVar variation 46178 (VCV000046178.38), dbSNP rs1893963, ClinGen allele CA022672.

ClinVar aggregate classification (germline): Benign. Review status: criteria provided, multiple submitters, no conflicts (2 of 4 stars). 18 submissions from 18 submitters: Benign (14). 4 of the submissions do not count toward it. Last evaluated 2026-02-04.

Conditions:
Cardiovascular phenotype. Identifiers: MedGen CN230736.
Familial isolated arrhythmogenic right ventricular dysplasia. Identifiers: Orphanet 217656, MedGen C4274968, MONDO:0016342.
Cardiomyopathy (CMYO). Also called: Cardiomyopathies. Identifiers: Orphanet 167848, MedGen C0878544, MONDO:0004994, HP:0001638. Inheritance: Various modes of inheritance.
Arrhythmogenic right ventricular dysplasia 11. Also called: ARRHYTHMOGENIC RIGHT VENTRICULAR DYSPLASIA, FAMILIAL, 11; Arrhythmogenic right ventricular dysplasia 11 with mild palmoplantar keratoderma and woolly hair; Arrhythmogenic Right Ventricular Dysplasia/Cardiomyopathy11. Identifiers: MedGen C1864850, MONDO:0012506, OMIM 610476.

Allele frequency attached by ClinVar (database versions not stated): ExAC 0.11901; gnomAD 0.18480 and 0.17788; gnomAD exomes 0.11559 and 0.09524; 1000 Genomes Project 0.19649; TOPMed 0.19579; ESP Exome Variant Server 0.19122; 1000 Genomes Project 30x 0.20050.
gnomAD v4.1: 166,579 of 1,613,930 alleles (10%); highest among the groups gnomAD compares: African/African-American, 40%; 12,799 homozygotes.

Submissions (18):

Labcorp Genetics (formerly Invitae), Labcorp
Classification: Benign for Arrhythmogenic right ventricular dysplasia 11. Last evaluated: 2026-02-04. Review status: criteria provided, single submitter. Criteria: Invitae Variant Classification Sherloc (09022015). Collection method: clinical testing. Allele origin: germline.

Molecular Diagnostic Laboratory for Inherited Cardiovascular Disease, Montreal Heart Institute
Classification: Benign. Last evaluated: 2025-04-08. Review status: criteria provided, single submitter. Criteria: ACMG Guidelines, 2015. Collection method: clinical testing. Allele origin: germline. Affected: no.

All of Us Research Program, National Institutes of Health
Classification: Benign for Familial isolated arrhythmogenic right ventricular dysplasia. Last evaluated: 2024-10-02. Review status: criteria provided, single submitter. Criteria: ACMG Guidelines, 2015. Collection method: clinical testing. Allele origin: germline. Inheritance: Autosomal dominant inheritance. Observed: 30,907 variant alleles, 27,924 heterozygotes, 2,975 homozygotes, 8 hemizygotes.
Comment: This study involves interpretation of variants in research participants for the purpose of population health screening. Participant phenotype was not available at the time of variant classification. Additional details can be found in publication PMID: 35346344, PMCID: PMC8962531

Color Diagnostics, LLC DBA Color Health
Classification: Benign for Cardiomyopathy. Last evaluated: 2018-03-19. Review status: criteria provided, single submitter. Criteria: ACMG Guidelines, 2015. Collection method: clinical testing. Allele origin: germline.

Illumina Laboratory Services, Illumina
Classification: Benign for Arrhythmogenic right ventricular dysplasia 11. Last evaluated: 2018-01-13. Review status: criteria provided, single submitter. Criteria: ICSL Variant Classification Criteria 13 December 2019. Collection method: clinical testing. Allele origin: germline.
Comment: This variant was observed in the ICSL laboratory as part of a predisposition screen in an ostensibly healthy population. It had not been previously curated by ICSL or reported in the Human Gene Mutation Database (HGMD: prior to June 1st, 2018), and was therefore a candidate for classification through an automated scoring system. Utilizing variant allele frequency, disease prevalence and penetrance estimates, and inheritance mode, an automated score was calculated to assess if this variant is too frequent to cause the disease. Based on the score and internal cut-off values, a variant classified as benign is not then subjected to further curation. The score for this variant resulted in a classification of benign for this disease.

Clinical Genetics DNA and cytogenetics Diagnostics Lab, Erasmus MC, Erasmus Medical Center
Classification: Benign for Arrhythmogenic right ventricular dysplasia 11. Last evaluated: 2015-09-21. Review status: criteria provided, single submitter. Criteria: ACGS Guidelines, 2013. Collection method: clinical testing. Allele origin: germline. Affected: yes. Study: VKGL Data-share Consensus.

Ambry Genetics
Classification: Benign for Cardiovascular phenotype. Last evaluated: 2015-06-21. Review status: criteria provided, single submitter. Criteria: Ambry Variant Classification Scheme 2023. Collection method: clinical testing. Allele origin: germline.

GeneDx
Classification: Benign. Last evaluated: 2015-03-03. Review status: criteria provided, single submitter. Criteria: GeneDx Variant Classification Process June 2021. Collection method: clinical testing. Allele origin: germline. Affected: yes.
Comment: This variant is associated with the following publications: (PMID: 27153395, 19863551, 25445213)

Genome Diagnostics Laboratory, University Medical Center Utrecht
Classification: Benign for Arrhythmogenic right ventricular dysplasia 11. Last evaluated: 2014-10-09. Review status: criteria provided, single submitter. Criteria: ACGS Guidelines, 2013. Collection method: clinical testing. Allele origin: germline. Affected: yes. Study: VKGL Data-share Consensus.

Mayo Clinic Laboratories, Mayo Clinic
Classification: Benign. Last evaluated: 2014-02-14. Review status: criteria provided, single submitter. Criteria: ACMG Guidelines, 2015. Collection method: clinical testing. Allele origin: germline. Observed: 330 variant alleles.

Biesecker Lab/Clinical Genomics Section, National Institutes of Health
Classification: Benign. Last evaluated: 2013-06-24. Review status: criteria provided, single submitter. Criteria: Ng et al. (Circ Cardiovasc Genet. 2013). Collection method: research. Allele origin: unknown. Observed: 169 variant alleles. Study: ClinSeq.
Comment: The study set was not selected for affection status in relation to any cancer. Pathogenicity categories were based on literature curation. See Pubmed ID:23861362 for details.

Medical sequencing

Laboratory for Molecular Medicine, Mass General Brigham Personalized Medicine
Classification: Benign. Last evaluated: 2007-11-06. Review status: criteria provided, single submitter. Criteria: LMM Criteria. Collection method: clinical testing. Allele origin: germline. Observed: 468 variant alleles.

Breakthrough Genomics
Classification: Benign. Review status: criteria provided, single submitter. Criteria: ACMG Guidelines, 2015. Collection method: not provided. Allele origin: germline. Inheritance: Autosomal dominant inheritance. Affected: yes.

PreventionGenetics, part of Exact Sciences
Classification: Benign. Review status: criteria provided, single submitter. Criteria: ACMG Guidelines, 2015. Collection method: clinical testing. Allele origin: germline.

Cohesion Phenomics
Classification: Benign for Cardiomyopathy. Last evaluated: 2022-10-10. Review status: no assertion criteria provided. Criteria: ACMG Guidelines, 2015. Collection method: clinical testing. Allele origin: germline. Affected: yes. Not counted in ClinVar's aggregate classification.

Clinical Genetics, Academic Medical Center
Classification: Benign. Review status: no assertion criteria provided. Collection method: clinical testing. Allele origin: germline. Affected: yes. Study: VKGL Data-share Consensus. Not counted in ClinVar's aggregate classification.

Diagnostic Laboratory, Department of Genetics, University Medical Center Groningen
Classification: Benign for Arrhythmogenic right ventricular dysplasia 11. Review status: no assertion criteria provided. Collection method: clinical testing. Allele origin: germline. Affected: yes. Study: VKGL Data-share Consensus. Not counted in ClinVar's aggregate classification.

Joint Genome Diagnostic Labs from Nijmegen and Maastricht, Radboudumc and MUMC+
Classification: Benign. Review status: no assertion criteria provided. Collection method: clinical testing. Allele origin: germline. Affected: yes. Study: VKGL Data-share Consensus. Not counted in ClinVar's aggregate classification.